The following is an entry in ClinVar:

NM_001267550.2(TTN):c.107202_107203del (p.Trp35735fs)

Genes: TTN (titin; minus strand), TTN-AS1 (TTN antisense RNA 1; plus strand). Cytogenetic location: 2q31.2.
Variant type: Deletion.
Coding change: c.107202_107203del on transcript NM_001267550.2 (MANE Select); coding-DNA positions 107202 to 107203, 2 bases deleted (AT; older notation c.107202_107203delAT).
Protein change: p.Trp35735fs; shifts the reading frame from tryptophan 35735.
Molecular consequence: frameshift variant.
Genome position (GRCh38, 1-based): chr2:178,528,548-178,528,549, AT deleted on the plus strand (AT on the coding strand, the reverse complement: TTN is on the minus strand). VCF-style (leftmost placement, unchanged base first): chr2-178528547-CAT-C. GRCh37 (hg19) VCF-style: chr2-179393274-CAT-C.
Other names: c.102279_102280del, p.Trp34094fs (NM_001256850.1); c.80007_80008del, p.Trp26670fs (NM_003319.4); c.99498_99499del, p.Trp33167fs (NM_133378.4); c.80382_80383del, p.Trp26795fs (NM_133432.3); c.80583_80584del, p.Trp26862fs (NM_133437.4); c.102279_102280delAT (NM_001256850.1); short protein forms W26670fs, W35735fs, W26795fs, W26862fs, W33167fs, W34094fs.
Identifiers: ClinVar variation 817381 (VCV000817381.11), dbSNP rs1575189496, ClinGen allele CA915942171.

ClinVar aggregate classification (germline): Pathogenic/Likely pathogenic. Review status: criteria provided, multiple submitters, no conflicts (2 of 4 stars). 2 submissions from 2 submitters: Pathogenic (1); Likely pathogenic (1). Last evaluated 2024-06-17.

Conditions:
Autosomal recessive limb-girdle muscular dystrophy type 2J (LGMDR10). Also called: Limb-girdle muscular dystrophy, type 2J; MUSCULAR DYSTROPHY, LIMB-GIRDLE, AUTOSOMAL RECESSIVE 10. Identifiers: Orphanet 140922, MedGen C1837342, MONDO:0012127, OMIM 608807.
Dilated cardiomyopathy 1G (CMD1G). Identifiers: Orphanet 154, MedGen C1858763, MONDO:0011400, OMIM 604145.

Submissions (2):

Labcorp Genetics (formerly Invitae), Labcorp
Classification: Likely pathogenic for Dilated cardiomyopathy 1G; Autosomal recessive limb-girdle muscular dystrophy type 2J. Last evaluated: 2024-06-17. Review status: criteria provided, single submitter. Criteria: Invitae Variant Classification Sherloc (09022015). Collection method: clinical testing. Allele origin: germline.
Comment: This sequence change creates a premature translational stop signal (p.Trp35735Valfs*2) in the TTN gene. While this is not anticipated to result in nonsense mediated decay, it is expected to create a truncated TTN protein. This variant is not present in population databases (gnomAD no frequency). This variant has not been reported in the literature in individuals affected with TTN-related conditions. ClinVar contains an entry for this variant (Variation ID: 817381). This variant is located in the M band of TTN (PMID: 25589632). Truncating variants in this region have been previously reported in individuals affected with autosomal recessive myopathy and muscular dystrophy (PMID: 18948003, 23975875, 24395473). Truncating variants in this region have also been identified in individuals affected with autosomal dominant dilated cardiomyopathy and/or cardio-related conditions (PMID: 27869827, 32964742, Invitae internal data). In summary, the currently available evidence indicates that the variant is pathogenic, but additional data are needed to prove that conclusively. Therefore, this variant has been classified as Likely Pathogenic.

GeneDx
Classification: Pathogenic. Last evaluated: 2019-01-08. Review status: criteria provided, single submitter. Criteria: GeneDx Variant Classification (06012015). Collection method: clinical testing. Allele origin: germline. Affected: yes.
Comment: The c.102279_102280delAT variant in the TTN gene has not been reported previously as a pathogenic variant nor as a benign variant, to our knowledge. The c.102279_102280delAT variant causes a frameshift starting with codon Tryptophan 34094, changes this amino acid to a Valine residue, and creates a premature Stop codon at position 2 of the new reading frame, denoted p.Trp34094ValfsX2. This variant is predicted to cause loss of normal protein function either through protein truncation or nonsense-mediated mRNA decay. The c.102279_102280delAT variant is not observed in large population cohorts (Lek et al., 2016). We interpret c.102279_102280delAT as a pathogenic variant.

Literature cited by the submitters: PubMed 25589632 (cited by Labcorp Genetics (formerly Invitae), Labcorp); PubMed 18948003 (cited by Labcorp Genetics (formerly Invitae), Labcorp); PubMed 23975875 (cited by Labcorp Genetics (formerly Invitae), Labcorp); PubMed 24395473 (cited by Labcorp Genetics (formerly Invitae), Labcorp); PubMed 27869827 (cited by Labcorp Genetics (formerly Invitae), Labcorp); PubMed 32964742 (cited by Labcorp Genetics (formerly Invitae), Labcorp).